The following is an entry in ClinVar:

ClinVar aggregate classification (germline): Uncertain significance (1 of 4 stars; one submission).

Submission:

GeneDx
Classification: Uncertain significance. Last evaluated: 2025-06-06. Review status: criteria provided, single submitter. Criteria: GeneDx Variant Classification Process June 2021. Collection method: clinical testing. Allele origin: germline. Affected: yes.
Comment: Not observed at significant frequency in large population cohorts (gnomAD); In silico analysis supports that this missense variant has a deleterious effect on protein structure/function; Has not been previously published as pathogenic or benign to our knowledge

NM_001148.6(ANK2):c.2618A>C (p.Asp873Ala)

Gene: ANK2 (ankyrin 2; plus strand). Cytogenetic location: 4q26.
Variant type: single nucleotide variant.
Coding change: c.2618A>C on transcript NM_001148.6 (MANE Select); coding-DNA position 2618, A replaced by C.
Protein change: p.Asp873Ala; replaces aspartic acid 873 with alanine.
Molecular consequence: missense variant.
Genome position (GRCh38, 1-based): chr4:113,311,324, A>C. VCF-style: chr4-113311324-A-C. GRCh37 (hg19) VCF-style: chr4-114232480-A-C.
Other names: c.2618A>C, p.Asp873Ala (NM_001354236.2, NM_001354246.2, NM_001354265.2 and 6 more transcripts); c.2663A>C, p.Asp888Ala (NM_001354237.2, NM_001354240.2, NM_001354241.2 and 5 more transcripts); c.2555A>C, p.Asp852Ala (NM_001354239.2, NM_001354243.2, NM_001354244.2 and 10 more transcripts); c.2519A>C, p.Asp840Ala (NM_001354245.2, NM_001354268.2); c.2576A>C, p.Asp859Ala (NM_001354261.2, NM_001386147.1, NM_001386160.1); c.2531A>C, p.Asp844Ala (NM_001354264.2, NM_001354266.2, NM_001354267.2 and 10 more transcripts); c.2408A>C, p.Asp803Ala (NM_001354269.3); c.2456A>C, p.Asp819Ala (NM_001354270.2, NM_001354253.2, NM_001354257.2 and 1 more transcripts); and 9 more; short protein forms D745A, D778A, D803A, D807A, D811A, D819A, D82A, D840A.
Identifiers: ClinVar variation 4536508 (VCV004536508.1).